The following is an entry in ClinVar:

ClinVar aggregate classification (germline): Uncertain significance. Review status: criteria provided, multiple submitters, no conflicts (2 of 4 stars). 3 submissions from 3 submitters: Uncertain significance (3). Last evaluated 2024-12-11.

Conditions:
Dyskeratosis congenita. Identifiers: Orphanet 1775, MedGen C0265965, MONDO:0015780.
Dyskeratosis congenita, autosomal dominant 2. Identifiers: MedGen C3151443, MONDO:0013521, OMIM 613989.
Idiopathic Pulmonary Fibrosis. Also called: Idiopathic fibrosing alveolitis, chronic form; idiopathic fibrosing alveolitis. Identifiers: Orphanet 2032, MedGen C1800706, MeSH D054990, MONDO:0800504.

gnomAD v4.1: 5 of 1,549,050 alleles (0.00032%); highest among the groups gnomAD compares: Non-Finnish European, 0.00044%; no homozygotes.

Submissions (3):

Ambry Genetics
Classification: Uncertain significance for Dyskeratosis congenita. Last evaluated: 2024-12-11. Review status: criteria provided, single submitter. Criteria: Ambry Variant Classification Scheme 2023. Collection method: clinical testing. Allele origin: germline.
Comment: The p.R446C variant (also known as c.1336C>T), located in coding exon 2 of the TERT gene, results from a C to T substitution at nucleotide position 1336. The arginine at codon 446 is replaced by cysteine, an amino acid with highly dissimilar properties. This amino acid position is not well conserved in available vertebrate species. In addition, this alteration is predicted to be tolerated by in silico analysis. Based on the available evidence, the clinical significance of this variant remains unclear.

Baylor Genetics
Classification: Uncertain significance for Dyskeratosis congenita, autosomal dominant 2. Last evaluated: 2024-03-13. Review status: criteria provided, single submitter. Criteria: ACMG Guidelines, 2015. Collection method: clinical testing. Allele origin: unknown.

Labcorp Genetics (formerly Invitae), Labcorp
Classification: Uncertain significance for Dyskeratosis congenita, autosomal dominant 2; Idiopathic Pulmonary Fibrosis. Last evaluated: 2023-11-10. Review status: criteria provided, single submitter. Criteria: Invitae Variant Classification Sherloc (09022015). Collection method: clinical testing. Allele origin: germline.
Comment: This sequence change replaces arginine, which is basic and polar, with cysteine, which is neutral and slightly polar, at codon 446 of the TERT protein (p.Arg446Cys). This variant is not present in population databases (gnomAD no frequency). This variant has not been reported in the literature in individuals affected with TERT-related conditions. ClinVar contains an entry for this variant (Variation ID: 1056210). Advanced modeling of protein sequence and biophysical properties (such as structural, functional, and spatial information, amino acid conservation, physicochemical variation, residue mobility, and thermodynamic stability) performed at Invitae indicates that this missense variant is expected to disrupt TERT protein function with a positive predictive value of 80%. In summary, the available evidence is currently insufficient to determine the role of this variant in disease. Therefore, it has been classified as a Variant of Uncertain Significance.

NM_198253.3(TERT):c.1336C>T (p.Arg446Cys)

Gene: TERT (telomerase reverse transcriptase; minus strand). Cytogenetic location: 5p15.33.
Variant type: single nucleotide variant.
Coding change: c.1336C>T on transcript NM_198253.3 (MANE Select); coding-DNA position 1336, C replaced by T.
Protein change: p.Arg446Cys; replaces arginine 446 with cysteine.
Molecular consequence: missense variant. On other transcripts: non-coding transcript variant (2).
Genome position (GRCh38, 1-based): chr5:1,293,550, G>A on the plus strand (C>T on the coding strand, the complement: TERT is on the minus strand). VCF-style: chr5-1293550-G-A. GRCh37 (hg19) VCF-style: chr5-1293665-G-A.
Other names: c.1336C>T (NM_198253.2); c.1336C>T, p.Arg446Cys (NM_001193376.3); short protein forms R446C.
Identifiers: ClinVar variation 1056210 (VCV001056210.9), dbSNP rs567650961, ClinGen allele CA359086118.
Genomic context (GRCh38, chr5:1,293,550, plus strand): 5'-GCACGAAGCCGTACACCTGCCAGGGGCTGCTGTGCTGGCGGAGCAGCTGCACCAGGCGAC[G>A]GGGGTCTGTGTCCTCCTCCTCGGGGGCCGCCACAGAGCCCTGGGGCTTCTCCCGGGCACA-3'
Protein context (NP_937983.2, residues 436-456): AAPEEEDTDP[Arg446Cys]RLVQLLRQHS